The following is an entry in ClinVar:

NM_005632.3(CAPN15):c.2862C>T (p.Asp954=)

Gene: CAPN15 (calpain 15; plus strand). Cytogenetic location: 16p13.3.
Variant type: single nucleotide variant.
Coding change: c.2862C>T on transcript NM_005632.3 (MANE Select); coding-DNA position 2862, C replaced by T.
Protein change: p.Asp954=; no amino-acid change (aspartic acid 954 retained).
Molecular consequence: synonymous variant.
Genome position (GRCh38, 1-based): chr16:552,729, C>T. VCF-style: chr16-552729-C-T. GRCh37 (hg19) VCF-style: chr16-602729-C-T.
Identifiers: ClinVar variation 5039231 (VCV005039231.1).

ClinVar aggregate classification (germline): Likely benign (1 of 4 stars; one submission).

Submission:

CeGaT Center for Human Genetics Tuebingen
Classification: Likely benign. Last evaluated: 2026-07-01. Review status: criteria provided, single submitter. Criteria: CeGaT Center For Human Genetics Tuebingen Variant Classification Criteria Version 2. Collection method: clinical testing. Allele origin: germline. Affected: yes. Observed: 1 variant allele.
Comment: CAPN15: BP4, BP7